The following is an entry in ClinVar:

ClinVar aggregate classification (germline): Benign/Likely benign. Review status: criteria provided, multiple submitters, no conflicts (2 of 4 stars). 4 submissions from 4 submitters: Benign (3); Likely benign (1). Last evaluated 2026-07-01.

Conditions:
Skeletal overgrowth-craniofacial dysmorphism-hyperelastic skin-white matter lesions syndrome. Also called: SKELETAL OVERGROWTH WITH FACIAL DYSMORPHISM, HYPERELASTIC SKIN, WHITE MATTER LESIONS, AND NEUROLOGIC DETERIORATION; Kosaki overgrowth syndrome. Identifiers: Orphanet 477831, MedGen C4225270, MONDO:0014704, OMIM 616592.
Acroosteolysis-keloid-like lesions-premature aging syndrome. Also called: Premature aging syndrome, Penttinen type; Prematurely aged appearance, delayed bone maturation, acro-osteolysis, and brachydactyly; Progeroid syndrome, Penttinen type. Identifiers: Orphanet 363665, MedGen C1866182, MONDO:0011150, OMIM 601812.
Infantile myofibromatosis (IMF). Also called: Congenital generalized fibromatosis. Identifiers: Orphanet 2591, MedGen C0432284, MONDO:0016824.
Basal ganglia calcification, idiopathic, 4 (PFBC4). Also called: PRIMARY FAMILIAL BRAIN CALCIFICATION 4, AUTOSOMAL DOMINANT; Familial Idiopathic Basal Ganglia Calcification 4. Identifiers: Orphanet 1980, MedGen C3554321, MONDO:0014004, OMIM 615007.

Allele frequency attached by ClinVar (database versions not stated): ExAC 0.00206; 1000 Genomes Project 0.00399; gnomAD 0.00426 and 0.00402; 1000 Genomes Project 30x 0.00437; ESP Exome Variant Server 0.00454; gnomAD exomes 0.00107 and 0.00216; TOPMed 0.00453.
gnomAD v4.1: 2,314 of 1,613,556 alleles (0.14%); highest among the groups gnomAD compares: African/African-American, 1%; 26 homozygotes.

Submissions (4):

CeGaT Center for Human Genetics Tuebingen
Classification: Likely benign. Last evaluated: 2026-07-01. Review status: criteria provided, single submitter. Criteria: CeGaT Center For Human Genetics Tuebingen Variant Classification Criteria Version 2. Collection method: clinical testing. Allele origin: germline. Affected: yes. Observed: 2 variant alleles.
Comment: PDGFRB: BP4, BS1

Labcorp Genetics (formerly Invitae), Labcorp
Classification: Benign for Basal ganglia calcification, idiopathic, 4; Skeletal overgrowth-craniofacial dysmorphism-hyperelastic skin-white matter lesions syndrome; Infantile myofibromatosis; Acroosteolysis-keloid-like lesions-premature aging syndrome. Last evaluated: 2026-01-05. Review status: criteria provided, single submitter. Criteria: Invitae Variant Classification Sherloc (09022015). Collection method: clinical testing. Allele origin: germline.

Mayo Clinic Laboratories, Mayo Clinic
Classification: Benign. Last evaluated: 2023-10-04. Review status: criteria provided, single submitter. Criteria: ACMG Guidelines, 2015. Collection method: clinical testing. Allele origin: germline. Observed: 5 variant alleles.
Comment: BS1, BS2

GeneDx
Classification: Benign. Last evaluated: 2021-05-11. Review status: criteria provided, single submitter. Criteria: GeneDx Variant Classification Process June 2021. Collection method: clinical testing. Allele origin: germline. Affected: yes.

NM_002609.4(PDGFRB):c.1376G>A (p.Arg459His)

Gene: PDGFRB (platelet derived growth factor receptor beta; minus strand). Cytogenetic location: 5q32.
Variant type: single nucleotide variant.
Coding change: c.1376G>A on transcript NM_002609.4 (MANE Select); coding-DNA position 1376, G replaced by A.
Protein change: p.Arg459His; replaces arginine 459 with histidine.
Molecular consequence: missense variant.
Genome position (GRCh38, 1-based): chr5:150,129,960, C>T on the plus strand (G>A on the coding strand, the complement: PDGFRB is on the minus strand). VCF-style: chr5-150129960-C-T. GRCh37 (hg19) VCF-style: chr5-149509523-C-T.
Other names: p.Arg459His; c.1184G>A, p.Arg395His (NM_001355016.2); c.893G>A, p.Arg298His (NM_001355017.2); short protein forms R459H, R395H, R298H.
Identifiers: ClinVar variation 707673 (VCV000707673.37), dbSNP rs149274963, ClinGen allele CA3507996.